The following is an entry in ClinVar:

NM_004380.3(CREBBP):c.5842C>A (p.Pro1948Thr)

Gene: CREBBP (CREB binding lysine acetyltransferase; minus strand). Cytogenetic location: 16p13.3.
Variant type: single nucleotide variant.
Coding change: c.5842C>A on transcript NM_004380.3 (MANE Select); coding-DNA position 5842, C replaced by A.
Protein change: p.Pro1948Thr; replaces proline 1948 with threonine.
Molecular consequence: missense variant.
Genome position (GRCh38, 1-based): chr16:3,729,205, G>T on the plus strand (C>A on the coding strand, the complement: CREBBP is on the minus strand). VCF-style: chr16-3729205-G-T. GRCh37 (hg19) VCF-style: chr16-3779206-G-T.
Other names: c.5728C>A, p.Pro1910Thr (NM_001079846.1); short protein forms P1910T, P1948T.
Identifiers: ClinVar variation 1029839 (VCV001029839.1), dbSNP rs1231016252, ClinGen allele CA394555270.
Genomic context (GRCh38, chr16:3,729,205, plus strand): 5'-GCTGGGCCTCACGCTCGATCTGCCGAGCCGCTTCCACCGCTGCAGGAGGGGGCTGGGCCG[G>T]GGGTGGGGGGGCCGGCACCTGGCTGGTAGGCTTCCCTGTGGACACCGTGGTGGGGGGCTG-3'
Protein context (NP_004371.2, residues 1938-1958): PTSQVPAPPP[Pro1948Thr]AQPPPAAVEA

ClinVar aggregate classification (germline): Uncertain significance (1 of 4 stars; one submission).

Conditions:
Rubinstein-Taybi syndrome due to CREBBP mutations (RSTS1). Also called: RUBINSTEIN SYNDROME; RUBINSTEIN-TAYBI SYNDROME 1, INCOMPLETE; Rubinstein-Taybi syndrome 1; CREBBP-Related Rubinstein-Taybi Syndrome; BROAD THUMBS AND GREAT TOES, CHARACTERISTIC FACIES, AND IMPAIRED INTELLECTUAL DEVELOPMENT; BROAD THUMB-HALLUX SYNDROME. Identifiers: Orphanet 353277, Orphanet 783, MedGen C4551859, MONDO:0008393, OMIM 180849.

Submission:

Baylor Genetics
Classification: Uncertain significance for Rubinstein-Taybi syndrome due to CREBBP mutations. Last evaluated: 2020-06-04. Review status: criteria provided, single submitter. Criteria: ACMG Guidelines, 2015. Collection method: clinical testing. Allele origin: unknown. Affected: yes.
Comment: This variant was determined to be of uncertain significance according to ACMG Guidelines, 2015 [PMID:25741868].